The following is an entry in ClinVar:

NM_000057.4(BLM):c.3496C>G (p.Gln1166Glu)

Gene: BLM (BLM RecQ like helicase; plus strand). Cytogenetic location: 15q26.1.
Variant type: single nucleotide variant.
Coding change: c.3496C>G on transcript NM_000057.4 (MANE Select); coding-DNA position 3496, C replaced by G.
Protein change: p.Gln1166Glu; replaces glutamine 1166 with glutamic acid.
Molecular consequence: missense variant. On other transcripts: intron variant (1).
Genome position (GRCh38, 1-based): chr15:90,803,658, C>G. VCF-style: chr15-90803658-C-G. GRCh37 (hg19) VCF-style: chr15-91346888-C-G.
Other names: c.3496C>G, p.Gln1166Glu (NM_001287246.2); c.2371C>G, p.Gln791Glu (NM_001287248.2); c.3358+5321C>G (NM_001287247.2); short protein forms Q791E, Q1166E.
Identifiers: ClinVar variation 836102 (VCV000836102.10), dbSNP rs1596267627, ClinGen allele CA393847731.

ClinVar aggregate classification (germline): Uncertain significance (1 of 4 stars; one submission).

Conditions:
Bloom syndrome (BLM). Also called: Bloom-Torre-Machacek syndrome. Identifiers: Orphanet 125, MedGen C0005859, MONDO:0008876, OMIM 210900.

Submission:

Labcorp Genetics (formerly Invitae), Labcorp
Classification: Uncertain significance for Bloom syndrome. Last evaluated: 2019-02-13. Review status: criteria provided, single submitter. Criteria: Invitae Variant Classification Sherloc (09022015). Collection method: clinical testing. Allele origin: germline.
Comment: In summary, the available evidence is currently insufficient to determine the role of this variant in disease. Therefore, it has been classified as a Variant of Uncertain Significance. Algorithms developed to predict the effect of missense changes on protein structure and function are either unavailable or do not agree on the potential impact of this missense change (SIFT: "Tolerated"; PolyPhen-2: "Probably Damaging"; Align-GVGD: "Class C0"). This variant has not been reported in the literature in individuals with BLM-related conditions. This variant is not present in population databases (ExAC no frequency). This sequence change replaces glutamine with glutamic acid at codon 1166 of the BLM protein (p.Gln1166Glu). The glutamine residue is moderately conserved and there is a small physicochemical difference between glutamine and glutamic acid.